The following is an entry in ClinVar:

NM_138576.4(BCL11B):c.2307C>T (p.Gly769=)

Gene: BCL11B (BCL11 transcription factor B; minus strand). Cytogenetic location: 14q32.2.
Variant type: single nucleotide variant.
Coding change: c.2307C>T on transcript NM_138576.4 (MANE Select); coding-DNA position 2307, C replaced by T.
Protein change: p.Gly769=; no amino-acid change (glycine 769 retained).
Molecular consequence: synonymous variant.
Genome position (GRCh38, 1-based): chr14:99,174,529, G>A on the plus strand (C>T on the coding strand, the complement: BCL11B is on the minus strand). VCF-style: chr14-99174529-G-A. GRCh37 (hg19) VCF-style: chr14-99640866-G-A.
Other names: c.2304C>T, p.Gly768= (NM_001282237.2); c.2091C>T, p.Gly697= (NM_001282238.2); c.2094C>T, p.Gly698= (NM_022898.3).
Identifiers: ClinVar variation 1165777 (VCV001165777.18), dbSNP rs768153330, ClinGen allele CA7339506.

ClinVar aggregate classification (germline): Benign/Likely benign. Review status: criteria provided, multiple submitters, no conflicts (2 of 4 stars). 3 submissions from 3 submitters: Benign (1); Likely benign (2). Last evaluated 2026-02-01.

Allele frequency attached by ClinVar (database versions not stated): gnomAD exomes 0.00031 and 0.00098; gnomAD 0.00032 and 0.00034; TOPMed 0.00036; ExAC 0.00230.
gnomAD v4.1: 507 of 1,515,208 alleles (0.033%); highest among the groups gnomAD compares: East Asian, 0.024%; 2 homozygotes.

Submissions (3):

Labcorp Genetics (formerly Invitae), Labcorp
Classification: Benign. Last evaluated: 2026-02-01. Review status: criteria provided, single submitter. Criteria: Invitae Variant Classification Sherloc (09022015). Collection method: clinical testing. Allele origin: germline.

CeGaT Center for Human Genetics Tuebingen
Classification: Likely benign. Last evaluated: 2025-08-01. Review status: criteria provided, single submitter. Criteria: CeGaT Center For Human Genetics Tuebingen Variant Classification Criteria Version 2. Collection method: clinical testing. Allele origin: germline. Affected: yes. Observed: 1 variant allele.
Comment: BCL11B: BP4, BP7, BS1

Blueprint Genetics
Classification: Likely benign. Last evaluated: 2024-11-21. Review status: criteria provided, single submitter. Criteria: ACMG Guidelines, 2015. Collection method: clinical testing. Allele origin: germline.